The following is an entry in ClinVar:

ClinVar aggregate classification (germline): Uncertain significance (1 of 4 stars; one submission).

Conditions:
Fanconi anemia (FA). Also called: Fanconi's anemia. Identifiers: Orphanet 84, MedGen C0015625, MeSH D005199, MONDO:0019391.

Allele frequency attached by ClinVar (database versions not stated): gnomAD exomes 0.00001.

Submission:

Labcorp Genetics (formerly Invitae), Labcorp
Classification: Uncertain significance for Fanconi anemia. Last evaluated: 2021-08-26. Review status: criteria provided, single submitter. Criteria: Invitae Variant Classification Sherloc (09022015). Collection method: clinical testing. Allele origin: germline.
Comment: This sequence change replaces serine with asparagine at codon 381 of the SLX4 protein (p.Ser381Asn). The serine residue is weakly conserved and there is a small physicochemical difference between serine and asparagine. This variant is not present in population databases (ExAC no frequency). This variant has not been reported in the literature in individuals affected with SLX4-related conditions. Algorithms developed to predict the effect of missense changes on protein structure and function output the following: SIFT: "Tolerated"; PolyPhen-2: "Benign"; Align-GVGD: "Class C0". The asparagine amino acid residue is found in multiple mammalian species, which suggests that this missense change does not adversely affect protein function. Algorithms developed to predict the effect of sequence changes on RNA splicing suggest that this variant may create or strengthen a splice site. In summary, the available evidence is currently insufficient to determine the role of this variant in disease. Therefore, it has been classified as a Variant of Uncertain Significance.

NM_032444.4(SLX4):c.1142G>A (p.Ser381Asn)

Gene: SLX4 (SLX4 structure-specific endonuclease subunit; minus strand). Cytogenetic location: 16p13.3.
Variant type: single nucleotide variant.
Coding change: c.1142G>A on transcript NM_032444.4 (MANE Select); coding-DNA position 1142, G replaced by A.
Protein change: p.Ser381Asn; replaces serine 381 with asparagine.
Molecular consequence: missense variant.
Genome position (GRCh38, 1-based): chr16:3,601,000, C>T on the plus strand (G>A on the coding strand, the complement: SLX4 is on the minus strand). VCF-style: chr16-3601000-C-T. GRCh37 (hg19) VCF-style: chr16-3651001-C-T.
Other names: short protein forms S381N.
Identifiers: ClinVar variation 1521332 (VCV001521332.5), dbSNP rs2040720721, ClinGen allele CA394531332.